The following is an entry in ClinVar:

NM_003579.4(RAD54L):c.1748T>C (p.Ile583Thr)

Gene: RAD54L (RAD54 like; plus strand). Cytogenetic location: 1p34.1.
Variant type: single nucleotide variant.
Coding change: c.1748T>C on transcript NM_003579.4 (MANE Select); coding-DNA position 1748, T replaced by C.
Protein change: p.Ile583Thr; replaces isoleucine 583 with threonine.
Molecular consequence: missense variant.
Genome position (GRCh38, 1-based): chr1:46,274,596, T>C. VCF-style: chr1-46274596-T-C. GRCh37 (hg19) VCF-style: chr1-46740268-T-C.
Other names: NP_003570.2:p.Ile583Thr; c.1748T>C, p.Ile583Thr (NM_001142548.2); c.1208T>C, p.Ile403Thr (NM_001370766.1); c.1748T>C (NM_003579.3); short protein forms I403T, I583T.
Identifiers: ClinVar variation 1678934 (VCV001678934.5), dbSNP rs28363243, ClinGen allele CA834710.

ClinVar aggregate classification (germline): Likely benign. Review status: criteria provided, multiple submitters, no conflicts (2 of 4 stars). 3 submissions from 3 submitters: Likely benign (2). 1 of the submissions does not count toward it. Last evaluated 2022-10-21.

Conditions:
Hereditary breast ovarian cancer syndrome. Also called: Hereditary breast and ovarian cancer syndrome; BRCA1- and BRCA2-Associated Hereditary Breast and Ovarian Cancer; Hereditary breast and ovarian cancer syndrome (HBOC); Hereditary breast and/or ovarian cancer syndrome; Breast and ovarian cancer; Hereditary breast and ovarian cancer. Identifiers: Orphanet 145, MedGen C0677776, MeSH D061325, MONDO:0003582. Disease mechanism: loss of function.
RAD54L-related disorder. Also called: RAD54L-related condition.

Allele frequency attached by ClinVar (database versions not stated): ESP Exome Variant Server 0.00015; gnomAD 0.00019 and 0.00030; TOPMed 0.00026; ExAC 0.00045; gnomAD exomes 0.00046; 1000 Genomes Project 30x 0.00234; 1000 Genomes Project 0.00280.

Submissions (3):

Ambry Genetics
Classification: Likely benign. Last evaluated: 2022-10-21. Review status: criteria provided, single submitter. Criteria: Ambry Variant Classification Scheme 2023. Collection method: clinical testing. Allele origin: germline.

National Health Laboratory Service, Universitas Academic Hospital and University of the Free State
Classification: Likely benign for Hereditary breast ovarian cancer syndrome. Last evaluated: 2022-04-19. Review status: criteria provided, single submitter. Criteria: ACMG Guidelines, 2015. Collection method: clinical testing. Allele origin: germline. Affected: yes. Observed: 2 variant alleles.

PreventionGenetics, part of Exact Sciences
Classification: Likely benign for RAD54L-related condition. Last evaluated: 2019-08-20. Review status: no assertion criteria provided. Collection method: clinical testing. Allele origin: germline. Not counted in ClinVar's aggregate classification.
Comment: This variant is classified as likely benign based on ACMG/AMP sequence variant interpretation guidelines (Richards et al. 2015 PMID: 25741868, with internal and published modifications).